The following is an entry in ClinVar:

ClinVar aggregate classification (germline): Pathogenic (1 of 4 stars; one submission).

Submission:

GeneDx
Classification: Pathogenic. Last evaluated: 2019-01-30. Review status: criteria provided, single submitter. Criteria: GeneDx Variant Classification (06012015). Collection method: clinical testing. Allele origin: germline. Affected: yes.
Comment: The c.1050_1051delTC variant in the NIPBL gene causes a frameshift starting with codon Proline 351, changes this amino acid to an Isoleucine residue and creates a premature Stop codon at position 6 of the new reading frame, denoted p.Pro351IlefsX6. This variant is predicted to cause loss of normal protein function either through protein truncation or nonsense-mediated mRNA decay. The c.1050_1051delTC variant is not observed in large population cohorts (Lek et al., 2016). We interpret this variant as pathogenic.

NM_133433.4(NIPBL):c.1050_1051del (p.Pro351fs)

Gene: NIPBL (NIPBL cohesin loading factor; plus strand). Cytogenetic location: 5p13.2.
Variant type: Microsatellite.
Coding change: c.1050_1051del on transcript NM_133433.4 (MANE Select); coding-DNA positions 1050 to 1051, 2 bases deleted (TC; older notation c.1050_1051delTC).
Protein change: p.Pro351fs; shifts the reading frame from proline 351.
Molecular consequence: frameshift variant.
Genome position (GRCh38, 1-based): chr5:36,975,957-36,975,958, TC deleted; deleting any 2 consecutive bases within chr5:36,975,955-36,975,958 gives the same sequence; the c. name uses the placement nearest the transcript's 3' end. VCF-style (leftmost placement, unchanged base first): chr5-36975954-TTC-T. GRCh37 (hg19) VCF-style: chr5-36976056-TTC-T.
Other names: c.1050_1051del, p.Pro351fs (NM_015384.5); short protein forms P351fs.
Identifiers: ClinVar variation 817425 (VCV000817425.1), dbSNP rs1580372126, ClinGen allele CA915943324.